The following is an entry in ClinVar:

NM_001376.5(DYNC1H1):c.2014_2017delinsATGTCCTTGGCAA (p.Gly672_Trp673delinsMetSerLeuAlaArg)

Gene: DYNC1H1 (dynein cytoplasmic 1 heavy chain 1; plus strand). Cytogenetic location: 14q32.31.
Variant type: Indel.
Coding change: c.2014_2017delinsATGTCCTTGGCAA on transcript NM_001376.5 (MANE Select); coding-DNA positions 2014 to 2017, GGCT replaced by ATGTCCTTGGCAA.
Protein change: p.Gly672_Trp673delinsMetSerLeuAlaArg.
Molecular consequence: inframe indel.
Genome position (GRCh38, 1-based): chr14:101,986,239-101,986,242, GGCT replaced by ATGTCCTTGGCAA. VCF-style: chr14-101986239-GGCT-ATGTCCTTGGCAA. GRCh37 (hg19) VCF-style: chr14-102452576-GGCT-ATGTCCTTGGCAA.
Identifiers: ClinVar variation 4840217 (VCV004840217.1).

ClinVar aggregate classification (germline): Uncertain significance (1 of 4 stars; one submission).

Conditions:
Inborn genetic diseases. Identifiers: MedGen C0950123, MeSH D030342.

Submission:

Ambry Genetics
Classification: Uncertain significance for Inborn genetic diseases. Last evaluated: 2026-03-04. Review status: criteria provided, single submitter. Criteria: Ambry Variant Classification Scheme 2023. Collection method: clinical testing. Allele origin: germline.
Comment: The c.2014_2017delGGCTinsATGTCCTTGGCAA (p.G672_W673delinsMSLAR) variant, located in exon 8 (coding exon 8) of the DYNC1H1 gene, results from an in-frame deletion of 4 and insertion of 13 nucleotides at nucleotide positions c.2014 to c.2017. This results in the substitution of 2 amino acid residues for methionine, serine, leucine, alanine, and arginine residues at p.672 to p.673. This variant was not reported in population-based cohorts in the Genome Aggregation Database (gnomAD). These amino acid positions are highly conserved in available vertebrate species. This variant is predicted to be deleterious by in silico analysis (Choi, 2012). Based on insufficient or conflicting evidence, the clinical significance of this alteration remains unclear.